The following is an entry in ClinVar:

ClinVar aggregate classification (germline): Pathogenic (1 of 4 stars; one submission).

Conditions:
Galactosylceramide beta-galactosidase deficiency. Also called: Leukodystrophy, Globoid Cell; Krabbe Disease; GALACTOCEREBROSIDASE DEFICIENCY; GALC DEFICIENCY; GLOBOID CELL LEUKOENCEPHALOPATHY. Identifiers: Orphanet 487, MedGen C0023521, MONDO:0009499, OMIM 245200.

Submission:

Labcorp Genetics (formerly Invitae), Labcorp
Classification: Pathogenic for Galactosylceramide beta-galactosidase deficiency. Last evaluated: 2022-06-09. Review status: criteria provided, single submitter. Criteria: Invitae Variant Classification Sherloc (09022015). Collection method: clinical testing. Allele origin: germline.
Comment: For these reasons, this variant has been classified as Pathogenic. This variant has not been reported in the literature in individuals affected with GALC-related conditions. This variant is not present in population databases (gnomAD no frequency). This sequence change creates a premature translational stop signal (p.Gln484Leufs*6) in the GALC gene. It is expected to result in an absent or disrupted protein product. Loss-of-function variants in GALC are known to be pathogenic (PMID: 7437911, 9272171, 16607461).

Literature cited by the submitters: PubMed 7437911; PubMed 9272171; PubMed 16607461.

NM_000153.4(GALC):c.1451_1455del (p.Gln484fs)

Gene: GALC (galactosylceramidase; minus strand). Cytogenetic location: 14q31.3.
Variant type: Deletion.
Coding change: c.1451_1455del on transcript NM_000153.4 (MANE Select); coding-DNA positions 1451 to 1455, 5 bases deleted (AGCCC; older notation c.1451_1455delAGCCC).
Protein change: p.Gln484fs; shifts the reading frame from glutamine 484.
Molecular consequence: frameshift variant.
Genome position (GRCh38, 1-based): chr14:87,947,762-87,947,766, GGGCT deleted on the plus strand (AGCCC on the coding strand, the reverse complement: GALC is on the minus strand); deleting any 5 consecutive bases within chr14:87,947,762-87,947,769 gives the same sequence; the c. name uses the placement nearest the transcript's 3' end. VCF-style (leftmost placement, unchanged base first): chr14-87947761-AGGGCT-A. GRCh37 (hg19) VCF-style: chr14-88414105-AGGGCT-A.
Other names: c.1382_1386del, p.Gln461fs (NM_001201401.2); c.1373_1377del, p.Gln458fs (NM_001201402.2); short protein forms Q484fs, Q461fs, Q458fs.
Identifiers: ClinVar variation 2133482 (VCV002133482.4), dbSNP rs2503362565, ClinGen allele CA2580088867.